The following is an entry in ClinVar:

NM_002691.4(POLD1):c.1517G>A (p.Arg506His)

Gene: POLD1 (DNA polymerase delta 1, catalytic subunit; plus strand). Cytogenetic location: 19q13.33.
Variant type: single nucleotide variant.
Coding change: c.1517G>A on transcript NM_002691.4 (MANE Select); coding-DNA position 1517, G replaced by A.
Protein change: p.Arg506His; replaces arginine 506 with histidine.
Molecular consequence: missense variant. On other transcripts: non-coding transcript variant (1).
Genome position (GRCh38, 1-based): chr19:50,407,005, G>A. VCF-style: chr19-50407005-G-A. GRCh37 (hg19) VCF-style: chr19-50910262-G-A.
Other names: c.1517G>A, p.Arg506His (NM_001256849.1, NM_001308632.1); short protein forms R506H.
Identifiers: ClinVar variation 239242 (VCV000239242.35), dbSNP rs140379348, ClinGen allele CA9596167.
Genomic context (GRCh38, chr19:50,407,005, plus strand): 5'-AACCCCTGGTCCCTGACCCCATCCGTGCCCATCCCCAGAATGGGAACGACCAGACCCGCC[G>A]CCGCCTGGCTGTGTACTGCCTGAAGGATGCCTACCTGCCACTGCGGCTGCTGGAGCGGCT-3'
Protein context (NP_002682.2, residues 496-516): DLQNGNDQTR[Arg506His]RLAVYCLKDA

ClinVar aggregate classification (germline): Uncertain significance. Review status: criteria provided, multiple submitters, no conflicts (2 of 4 stars). 9 submissions from 9 submitters: Uncertain significance (9). Last evaluated 2026-07-13.

Conditions:
POLD1-related disorder. Also called: POLD1-related condition; POLD1-related disorders.
Hereditary cancer-predisposing syndrome. Also called: Hereditary Cancer Syndrome; Neoplastic Syndromes, Hereditary; Hereditary neoplastic syndrome; Tumor predisposition. Identifiers: Orphanet 140162, MedGen C0027672, MeSH D009386, MONDO:0015356.
Immunodeficiency 120. Identifiers: MedGen C5935622, MONDO:0970994, OMIM 620836.
POLD1-related polyposis and colorectal cancer syndrome (CRCS10). Also called: COLORECTAL CANCER, SUSCEPTIBILITY TO, ON CHROMOSOME 19q; Colorectal cancer 10; Colorectal cancer, susceptibility to, 10. Identifiers: Orphanet 220460, MedGen C2675481, MONDO:0012953, OMIM 612591.
Mandibular hypoplasia-deafness-progeroid syndrome. Also called: Mandibular hypoplasia, deafness, progeroid features, and lipodystrophy syndrome. Identifiers: Orphanet 363649, MedGen C3715192, MONDO:0014157, OMIM 615381.

Allele frequency attached by ClinVar (database versions not stated): ExAC 0.00001; gnomAD exomes 0.00001 and 0.00002; gnomAD 0.00002; TOPMed 0.00002; ESP Exome Variant Server 0.00008.
gnomAD v4.1: 27 of 1,415,524 alleles (0.0019%); highest among the groups gnomAD compares: East Asian, 0.0072%; no homozygotes.

Submissions (9):

PreventionGenetics, part of Exact Sciences
Classification: Uncertain significance for POLD1-related condition. Last evaluated: 2026-07-13. Review status: criteria provided, single submitter. Criteria: ACMG Guidelines, 2015. Collection method: clinical testing. Allele origin: germline.
Comment: The POLD1 c.1517G>A variant is predicted to result in the amino acid substitution p.Arg506His. This variant has been identified in an individual with low grade glioma ( Zhang et al. 2015. PubMed ID: 26580448). It is reported in 0.0051% of alleles in individuals of East Asian descent in gnomAD and is reported in ClinVar as a variant of uncertain significance (Variation ID: 239242). Experimental studies suggest that this variant disrupts POLD1 protein function (Daee et al. 2009. PubMed ID: 19966286). At this time, the clinical significance of this variant is uncertain due to the absence of conclusive functional and genetic evidence.

Labcorp Genetics (formerly Invitae), Labcorp
Classification: Uncertain significance for POLD1-related polyposis and colorectal cancer syndrome. Last evaluated: 2025-12-17. Review status: criteria provided, single submitter. Criteria: Invitae Variant Classification Sherloc (09022015). Collection method: clinical testing. Allele origin: germline.
Comment: This sequence change replaces arginine, which is basic and polar, with histidine, which is basic and polar, at codon 506 of the POLD1 protein (p.Arg506His). This variant is present in population databases (rs140379348, gnomAD 0.005%). This variant has not been reported in the literature in individuals affected with POLD1-related conditions. ClinVar contains an entry for this variant (Variation ID: 239242). Invitae Evidence Modeling of protein sequence and biophysical properties (such as structural, functional, and spatial information, amino acid conservation, physicochemical variation, residue mobility, and thermodynamic stability) indicates that this missense variant is not expected to disrupt POLD1 protein function with a negative predictive value of 80%. Experimental studies have shown that this missense change affects POLD1 function (PMID: 19966286). In summary, the available evidence is currently insufficient to determine the role of this variant in disease. Therefore, it has been classified as a Variant of Uncertain Significance.

Ambry Genetics
Classification: Uncertain significance for Hereditary cancer-predisposing syndrome. Last evaluated: 2025-12-16. Review status: criteria provided, single submitter. Criteria: Ambry Variant Classification Scheme 2023. Collection method: clinical testing. Allele origin: germline.

Quest Diagnostics Nichols Institute San Juan Capistrano
Classification: Uncertain significance. Last evaluated: 2024-08-21. Review status: criteria provided, single submitter. Criteria: Quest Diagnostics criteria. Collection method: clinical testing. Allele origin: unknown.
Comment: The POLD1 c.1517G>A (p.Arg506His) variant has not been reported in the published literature in individuals with POLD1-related conditions. Functional studies have reported that this variant may reduce DNA replication fidelity (PMIDs: 19966286 (2010), 34530183 (2021)) and does not increase sensitivity of colorectal cancer cells to inhibitors (PMID 33144657 (2020)). The frequency of this variant in the general population, 0.000011 (3/276556 chromosomes (Genome Aggregation Database)), is uninformative in the assessment of its pathogenicity. Analysis of this variant using bioinformatics tools for the prediction of the effect of amino acid changes on protein structure and function yielded conflicting predictions that this variant is deleterious or benign. Based on the available information, we are unable to determine the clinical significance of this variant.

GeneDx
Classification: Uncertain significance. Last evaluated: 2024-05-20. Review status: criteria provided, single submitter. Criteria: GeneDx Variant Classification Process June 2021. Collection method: clinical testing. Allele origin: germline. Affected: yes.
Comment: Not observed at significant frequency in large population cohorts (gnomAD); In silico analysis supports that this missense variant has a deleterious effect on protein structure/function; Observed in an individual with low grade glioma in published literature (PMID: 26580448); Published functional studies support no damaging effect: no effect on cell growth, sensitivity to DNA-damaging agents, protein abundance, or POLD1 mismatch repair activity, but slightly reduced DNA replication fidelity (PMID: 19966286, 34530183); This variant is associated with the following publications: (PMID: 21157497, 10074927, 27320729, 28368425, 7704014, 28687338, 33144657, 35620275, 34530183, 19966286, 26580448, 20951805)

Fulgent Genetics
Classification: Uncertain significance for POLD1-related polyposis and colorectal cancer syndrome; Mandibular hypoplasia-deafness-progeroid syndrome; Immunodeficiency 120. Last evaluated: 2024-03-21. Review status: criteria provided, single submitter. Criteria: ACMG Guidelines, 2015. Collection method: clinical testing. Allele origin: germline.

Baylor Genetics
Classification: Uncertain significance for POLD1-related polyposis and colorectal cancer syndrome. Last evaluated: 2023-10-08. Review status: criteria provided, single submitter. Criteria: ACMG Guidelines, 2015. Collection method: clinical testing. Allele origin: unknown.

Sema4
Classification: Uncertain significance for Hereditary cancer-predisposing syndrome. Last evaluated: 2021-08-13. Review status: criteria provided, single submitter. Criteria: Sema4 Curation Guidelines. Collection method: curation. Allele origin: germline.
Comment: The POLD1 c.1517G>A (p.R506H) variant has been reported in a pediatric patient with a low grade glioma (PMID: 26580448). It was observed in 3/276556 chromosomes across all populations in the large and broad cohorts of the Genome Aggregation Database (PMID: 32461654). This variant was reported in ClinVar (Variation ID: 239242). In silico predictions of the variant's effect on protein function are inconclusive. Functional studies in yeast showed a slight reduction in the fidelity of DNA replication, which is compensated for in wildtype cells by mismatch repair (PMID: 19966286). The evidence is insufficient to meet ACMG/AMP criteria for classifying the variant as benign or pathogenic. Thus, the clinical significance of this variant is currently uncertain.

Laboratory for Molecular Medicine, Mass General Brigham Personalized Medicine
Classification: Uncertain significance. Last evaluated: 2016-12-28. Review status: criteria provided, single submitter. Criteria: LMM Criteria. Collection method: clinical testing. Allele origin: germline. Observed: 1 variant allele.
Comment: The p.Arg506His variant in POLD1 has not been previously reported in individuals with colorectal cancer, but has been identified in 1/64598 of European chromoso mes by the Exome Aggregation Consortium (ExAC; d bSNP rs140379348). In vitro functional studies provide some evidence that the p. Arg506His variant may impact protein function (Daee 2010). However, these types of assays may not accurately represent biological function. Computational predic tion tools and conservation analysis do not provide strong support for or agains t an impact to the protein. In summary, the clinical significance of the p.Arg50 6His variant is uncertain.

Literature cited by the submitters: PubMed 19966286 (cited by 4 submitters); PubMed 26580448 (cited by Quest Diagnostics Nichols Institute San Juan Capistrano and Sema4); PubMed 28368425 (cited by Quest Diagnostics Nichols Institute San Juan Capistrano); PubMed 34530183 (cited by Quest Diagnostics Nichols Institute San Juan Capistrano); PubMed 27320729 (cited by Quest Diagnostics Nichols Institute San Juan Capistrano); PubMed 28687338 (cited by Quest Diagnostics Nichols Institute San Juan Capistrano); PubMed 7704014 (cited by Quest Diagnostics Nichols Institute San Juan Capistrano); PubMed 33144657 (cited by Quest Diagnostics Nichols Institute San Juan Capistrano); PubMed 21157497 (cited by Quest Diagnostics Nichols Institute San Juan Capistrano).